The following is an entry in ClinVar:

ClinVar aggregate classification (germline): Pathogenic/Likely pathogenic. Review status: criteria provided, multiple submitters, no conflicts (2 of 4 stars). 3 submissions from 3 submitters: Pathogenic (1); Likely pathogenic (2). Last evaluated 2024-08-20.

Conditions:
Cerebral arteriopathy, autosomal dominant, with subcortical infarcts and leukoencephalopathy, type 1 (CADASIL1). Also called: CADASIL 1; CASIL; Cerebral arteriopathy with subcortical infarcts and leukoencephalopathy 1; DEMENTIA, HEREDITARY MULTIINFARCT TYPE. Identifiers: Orphanet 136, MedGen C4551768, MONDO:0000914, OMIM 125310.

Submissions (3):

Athena Diagnostics
Classification: Pathogenic. Last evaluated: 2024-08-20. Review status: criteria provided, single submitter. Criteria: Athena Diagnostics Criteria. Collection method: clinical testing. Allele origin: unknown.
Comment: This variant alters a critical location within the protein, and is expected to severely affect function and cause disease. This variant has not been reported in large, multi-ethnic general populations. This variant has been identified in at least one individual with clinical features associated with CADASIL. Greater than 90% of NOTCH3 pathogenic variants associated with CADASIL involve the gain or loss of a cysteine residue within the epidermal growth factor (EGF)-like repeat domain (PMID: 32457593, 20301673).

Institute of Human Genetics Munich, TUM University Hospital
Classification: Likely pathogenic for Cerebral arteriopathy, autosomal dominant, with subcortical infarcts and leukoencephalopathy, type 1. Last evaluated: 2024-07-04. Review status: criteria provided, single submitter. Criteria: Classification criteria August 2017. Collection method: clinical testing. Allele origin: germline. Inheritance: Autosomal dominant inheritance. Affected: yes. Observed: 1 variant allele.

Mayo Clinic Laboratories, Mayo Clinic
Classification: Likely pathogenic. Last evaluated: 2024-02-14. Review status: criteria provided, single submitter. Criteria: ACMG Guidelines, 2015. Collection method: clinical testing. Allele origin: germline. Observed: 1 variant allele.
Comment: PP3, PP4, PM1, PM2_moderate, PM5

Literature cited by the submitters: PubMed 33161844 (cited by Athena Diagnostics); PubMed 19174371 (cited by Athena Diagnostics); PubMed 37873835 (cited by Athena Diagnostics and Mayo Clinic Laboratories, Mayo Clinic); PubMed 38790158 (cited by Athena Diagnostics); PubMed 25980907 (cited by Athena Diagnostics); PubMed 15364702 (cited by Athena Diagnostics and Mayo Clinic Laboratories, Mayo Clinic); PubMed 16009764 (cited by Institute of Human Genetics Munich, TUM University Hospital and Mayo Clinic Laboratories, Mayo Clinic); PubMed 19080749 (cited by Mayo Clinic Laboratories, Mayo Clinic).

NM_000435.3(NOTCH3):c.1531T>C (p.Cys511Arg)

Gene: NOTCH3 (notch receptor 3; minus strand). Cytogenetic location: 19p13.12.
Variant type: single nucleotide variant.
Coding change: c.1531T>C on transcript NM_000435.3 (MANE Select); coding-DNA position 1531, T replaced by C.
Protein change: p.Cys511Arg; replaces cysteine 511 with arginine.
Molecular consequence: missense variant.
Genome position (GRCh38, 1-based): chr19:15,187,956, A>G on the plus strand (T>C on the coding strand, the complement: NOTCH3 is on the minus strand). VCF-style: chr19-15187956-A-G. GRCh37 (hg19) VCF-style: chr19-15298767-A-G.
Other names: p.Cys511Arg; c.1531T>C (NM_000435.2); short protein forms C511R.
Identifiers: ClinVar variation 3380914 (VCV003380914.7).
Genomic context (GRCh38, chr19:15,187,956, plus strand): 5'-ACTCGTAGCCATCGGGCTGGTCCACGCATTTGGCGCCATTCCTGCAGGGCGTGCTGGCGC[A>G]TTCGTCCACGTCCAGCTGACACGTGGAGCCGCTGAAGCCTGGGGTGGGGAGTGGGATGAG-3'
Protein context (NP_000426.2, residues 501-521): GSTCQLDVDE[Cys511Arg]ASTPCRNGAK